The following is an entry in ClinVar:

NM_018896.5(CACNA1G):c.215G>A (p.Ser72Asn)

Genes: CACNA1G (calcium voltage-gated channel subunit alpha1 G; plus strand), CACNA1G-AS1 (CACNA1G antisense RNA 1; minus strand). Cytogenetic location: 17q21.33.
Variant type: single nucleotide variant.
Coding change: c.215G>A on transcript NM_018896.5 (MANE Select); coding-DNA position 215, G replaced by A.
Protein change: p.Ser72Asn; replaces serine 72 with asparagine.
Molecular consequence: missense variant. On other transcripts: non-coding transcript variant (5).
Genome position (GRCh38, 1-based): chr17:50,561,674, G>A. VCF-style: chr17-50561674-G-A. GRCh37 (hg19) VCF-style: chr17-48639035-G-A.
Other names: c.215G>A, p.Ser72Asn (NM_001256324.2, NM_001256325.2, NM_001256326.2 and 24 more transcripts); short protein forms S72N.
Identifiers: ClinVar variation 2412851 (VCV002412851.3), dbSNP rs2544438024, ClinGen allele CA400222582.

ClinVar aggregate classification (germline): Uncertain significance (1 of 4 stars; one submission).

Submission:

GeneDx
Classification: Uncertain significance. Last evaluated: 2022-07-27. Review status: criteria provided, single submitter. Criteria: GeneDx Variant Classification Process June 2021. Collection method: clinical testing. Allele origin: germline. Affected: yes.
Comment: Not observed at significant frequency in large population cohorts (gnomAD); In silico analysis supports that this missense variant does not alter protein structure/function; Has not been previously published as pathogenic or benign to our knowledge